The following is an entry in ClinVar:

ClinVar aggregate classification (germline): Uncertain significance. Review status: criteria provided, single submitter (1 of 4 stars). 2 submissions from 2 submitters: Uncertain significance (1). 1 of the submissions does not count toward it. Last evaluated 2023-08-04.

Conditions:
Neu-Laxova syndrome 2. Identifiers: Orphanet 2671, Orphanet 583602, MedGen C4015019, MONDO:0014466, OMIM 616038.

Allele frequency attached by ClinVar (database versions not stated): gnomAD 0.00001; ExAC 0.00002; gnomAD exomes 0.00002; TOPMed 0.00006.
gnomAD v4.1: 13 of 1,612,556 alleles (0.00081%); highest among the groups gnomAD compares: Admixed American, 0.022%; no homozygotes.

Submissions (2):

Labcorp Genetics (formerly Invitae), Labcorp
Classification: Uncertain significance for Neu-Laxova syndrome 2. Last evaluated: 2023-08-04. Review status: criteria provided, single submitter. Criteria: Invitae Variant Classification Sherloc (09022015). Collection method: clinical testing. Allele origin: germline.
Comment: In summary, the available evidence is currently insufficient to determine the role of this variant in disease. Therefore, it has been classified as a Variant of Uncertain Significance. Experimental studies have shown that this missense change affects PSAT1 function (PMID: 32077105). Advanced modeling of protein sequence and biophysical properties (such as structural, functional, and spatial information, amino acid conservation, physicochemical variation, residue mobility, and thermodynamic stability) performed at Invitae indicates that this missense variant is expected to disrupt PSAT1 protein function. ClinVar contains an entry for this variant (Variation ID: 977008). This variant has not been reported in the literature in individuals affected with PSAT1-related conditions. This variant is present in population databases (rs553281141, gnomAD 0.02%). This sequence change replaces phenylalanine, which is neutral and non-polar, with cysteine, which is neutral and slightly polar, at codon 288 of the PSAT1 protein (p.Phe288Cys).

Dudley Research Group, Pacific Northwest Research Institute
No classification provided. Review status: no classification provided. Collection method: research, in vivo. Allele origin: unknown, not applicable. Functional consequence: loss_of_function_variant. Not counted in ClinVar's aggregate classification.

Literature cited by the submitters: PubMed 32077105 (cited by Labcorp Genetics (formerly Invitae), Labcorp).

NM_058179.4(PSAT1):c.863T>G (p.Phe288Cys)

Gene: PSAT1 (phosphoserine aminotransferase 1; plus strand). Cytogenetic location: 9q21.2.
Variant type: single nucleotide variant.
Coding change: c.863T>G on transcript NM_058179.4 (MANE Select); coding-DNA position 863, T replaced by G.
Protein change: p.Phe288Cys; replaces phenylalanine 288 with cysteine.
Molecular consequence: missense variant.
Genome position (GRCh38, 1-based): chr9:78,317,798, T>G. VCF-style: chr9-78317798-T-G. GRCh37 (hg19) VCF-style: chr9-80932714-T-G.
Other names: c.863T>G, p.Phe288Cys (NM_021154.5); short protein forms F288C.
Identifiers: ClinVar variation 977008 (VCV000977008.7), dbSNP rs553281141, ClinGen allele CA5095742.